The following is an entry in ClinVar:

ClinVar aggregate classification (germline): Conflicting classifications of pathogenicity. Review status: criteria provided, conflicting classifications (1 of 4 stars). 2 submissions from 2 submitters: Pathogenic (1); Uncertain significance (1). Last evaluated 2025-12-26.

Conditions:
LMX1B-related disorder. Also called: LMX1B-related condition.

Submissions (2):

Labcorp Genetics (formerly Invitae), Labcorp
Classification: Uncertain significance. Last evaluated: 2025-12-26. Review status: criteria provided, single submitter. Criteria: Invitae Variant Classification Sherloc (09022015). Collection method: clinical testing. Allele origin: germline.
Comment: This sequence change replaces cysteine, which is neutral and slightly polar, with arginine, which is basic and polar, at codon 83 of the LMX1B protein (p.Cys83Arg). This variant is not present in population databases (gnomAD no frequency). This missense change has been observed in individual(s) with nail patella syndrome (PMID: 11668639). This variant is also known as C60R. ClinVar contains an entry for this variant (Variation ID: 2735328). Invitae Evidence Modeling of protein sequence and biophysical properties (such as structural, functional, and spatial information, amino acid conservation, physicochemical variation, residue mobility, and thermodynamic stability) indicates that this missense variant is expected to disrupt LMX1B protein function with a positive predictive value of 80%. This variant disrupts the p.Cys83 amino acid residue in LMX1B. Other variant(s) that disrupt this residue have been determined to be pathogenic (PMID: 10571942, 11668639; internal data). This suggests that this residue is clinically significant, and that variants that disrupt this residue are likely to be disease-causing. In summary, the available evidence is currently insufficient to determine the role of this variant in disease. Therefore, it has been classified as a Variant of Uncertain Significance.

Blueprint Genetics
Classification: Pathogenic for LMX1B-related disorders. Last evaluated: 2023-12-27. Review status: criteria provided, single submitter. Criteria: ACMG Guidelines, 2015. Collection method: clinical testing. Allele origin: germline. Affected: yes. Observed: 5 variant alleles.

Literature cited by the submitters: PubMed 11668639 (cited by Labcorp Genetics (formerly Invitae), Labcorp); PubMed 10571942 (cited by Labcorp Genetics (formerly Invitae), Labcorp).

NM_001174147.2(LMX1B):c.247T>C (p.Cys83Arg)

Gene: LMX1B (LIM homeobox transcription factor 1 beta; plus strand). Cytogenetic location: 9q33.3.
Variant type: single nucleotide variant.
Coding change: c.247T>C on transcript NM_001174147.2 (MANE Select); coding-DNA position 247, T replaced by C.
Protein change: p.Cys83Arg; replaces cysteine 83 with arginine.
Molecular consequence: missense variant.
Genome position (GRCh38, 1-based): chr9:126,615,490, T>C. VCF-style: chr9-126615490-T-C. GRCh37 (hg19) VCF-style: chr9-129377769-T-C.
Other names: c.247T>C, p.Cys83Arg (NM_001174146.2, NM_002316.4); short protein forms C83R.
Identifiers: ClinVar variation 2735328 (VCV002735328.4), dbSNP rs2490518154, ClinGen allele CA374910079.
Genomic context (GRCh38, chr9:126,615,490, plus strand): 5'-ATCTCCGACCGCTTCCTGATGCGAGTCAACGAGTCGTCCTGGCACGAGGAGTGTTTGCAG[T>C]GCGCGGCGTGTCAGCAAGCCCTCACCACCAGCTGCTACTTCCGGGATCGGAAACTGTACT-3'
Protein context (NP_001167618.1, residues 73-93): ESSWHEECLQ[Cys83Arg]AACQQALTTS